The following is an entry in ClinVar:

ClinVar aggregate classification (germline): Uncertain significance (1 of 4 stars; one submission).

gnomAD v4.1: 1 of 1,568,850 alleles (0.000064%); highest among the groups gnomAD compares: Non-Finnish European, 0.000086%; no homozygotes.

Submission:

Labcorp Genetics (formerly Invitae), Labcorp
Classification: Uncertain significance. Last evaluated: 2025-11-27. Review status: criteria provided, single submitter. Criteria: Invitae Variant Classification Sherloc (09022015). Collection method: clinical testing. Allele origin: germline.
Comment: This sequence change replaces alanine, which is neutral and non-polar, with threonine, which is neutral and polar, at codon 782 of the TONSL protein (p.Ala782Thr). The frequency data for this variant in the population databases is considered unreliable, as metrics indicate poor data quality at this position in the gnomAD database. This variant has not been reported in the literature in individuals affected with TONSL-related conditions. Invitae Evidence Modeling of protein sequence and biophysical properties (such as structural, functional, and spatial information, amino acid conservation, physicochemical variation, residue mobility, and thermodynamic stability) indicates that this missense variant is not expected to disrupt TONSL protein function with a negative predictive value of 80%. In summary, the available evidence is currently insufficient to determine the role of this variant in disease. Therefore, it has been classified as a Variant of Uncertain Significance.

NM_013432.5(TONSL):c.2344G>A (p.Ala782Thr)

Genes: TONSL (tonsoku like, DNA repair protein; minus strand), TONSL-AS1 (TONSL antisense RNA 1; plus strand). Cytogenetic location: 8q24.3.
Variant type: single nucleotide variant.
Coding change: c.2344G>A on transcript NM_013432.5 (MANE Select); coding-DNA position 2344, G replaced by A.
Protein change: p.Ala782Thr; replaces alanine 782 with threonine.
Molecular consequence: missense variant.
Genome position (GRCh38, 1-based): chr8:144,436,089, C>T on the plus strand (G>A on the coding strand, the complement: TONSL is on the minus strand). VCF-style: chr8-144436089-C-T. GRCh37 (hg19) VCF-style: chr8-145661472-C-T.
Other names: short protein forms A782T.
Identifiers: ClinVar variation 4745348 (VCV004745348.1).